The following is an entry in ClinVar:

NM_015978.3(TNNI3K):c.983A>G (p.Gln328Arg)

Genes: FPGT-TNNI3K (FPGT-TNNI3K readthrough; plus strand), TNNI3K (TNNI3 interacting kinase; plus strand). Cytogenetic location: 1p31.1.
Variant type: single nucleotide variant.
Coding change: c.983A>G on transcript NM_015978.3 (MANE Select); coding-DNA position 983, A replaced by G.
Protein change: p.Gln328Arg; replaces glutamine 328 with arginine.
Molecular consequence: missense variant.
Genome position (GRCh38, 1-based): chr1:74,353,316, A>G. VCF-style: chr1-74353316-A-G. GRCh37 (hg19) VCF-style: chr1-74819000-A-G.
Other names: c.983A>G (NM_015978.2); c.1286A>G, p.Gln429Arg (NM_001112808.3, NM_001199327.2); short protein forms Q429R, Q328R.
Identifiers: ClinVar variation 2744409 (VCV002744409.4), dbSNP rs372524871, ClinGen allele CA909099.

ClinVar aggregate classification (germline): Uncertain significance. Review status: criteria provided, multiple submitters, no conflicts (2 of 4 stars). 2 submissions from 2 submitters: Uncertain significance (2). Last evaluated 2024-12-25.

Conditions:
Inborn genetic diseases. Identifiers: MedGen C0950123, MeSH D030342.

Allele frequency attached by ClinVar (database versions not stated): gnomAD exomes below 0.00001; gnomAD 0.00001; ExAC 0.00002; ESP Exome Variant Server 0.00008.
gnomAD v4.1: 3 of 1,613,756 alleles (0.00019%); highest among the groups gnomAD compares: East Asian, 0.0022%; no homozygotes.

Submissions (2):

Ambry Genetics
Classification: Uncertain significance for Inborn genetic diseases. Last evaluated: 2024-12-25. Review status: criteria provided, single submitter. Criteria: Ambry Variant Classification Scheme 2023. Collection method: clinical testing. Allele origin: germline.

Labcorp Genetics (formerly Invitae), Labcorp
Classification: Uncertain significance. Last evaluated: 2023-07-17. Review status: criteria provided, single submitter. Criteria: Invitae Variant Classification Sherloc (09022015). Collection method: clinical testing. Allele origin: germline.
Comment: This sequence change replaces glutamine, which is neutral and polar, with arginine, which is basic and polar, at codon 328 of the TNNI3K protein (p.Gln328Arg). This variant is present in population databases (rs372524871, gnomAD 0.01%). This variant has not been reported in the literature in individuals affected with TNNI3K-related conditions. In summary, the available evidence is currently insufficient to determine the role of this variant in disease. Therefore, it has been classified as a Variant of Uncertain Significance. Advanced modeling of protein sequence and biophysical properties (such as structural, functional, and spatial information, amino acid conservation, physicochemical variation, residue mobility, and thermodynamic stability) performed at Invitae indicates that this missense variant is not expected to disrupt TNNI3K protein function.